The following is an entry in ClinVar:

NM_006567.5(FARS2):c.700G>A (p.Glu234Lys)

Gene: FARS2 (phenylalanyl-tRNA synthetase 2, mitochondrial; plus strand). Cytogenetic location: 6p25.1.
Variant type: single nucleotide variant.
Coding change: c.700G>A on transcript NM_006567.5 (MANE Select); coding-DNA position 700, G replaced by A.
Protein change: p.Glu234Lys; replaces glutamic acid 234 with lysine.
Molecular consequence: missense variant.
Genome position (GRCh38, 1-based): chr6:5,404,629, G>A. VCF-style: chr6-5404629-G-A. GRCh37 (hg19) VCF-style: chr6-5404862-G-A.
Other names: c.700G>A (NM_006567.3); c.700G>A, p.Glu234Lys (NM_001318872.2, NM_001374875.1, NM_001374876.1 and 5 more transcripts); c.4G>A, p.Glu2Lys (NM_001375259.1, NM_001375260.1); short protein forms E234K, E2K.
Identifiers: ClinVar variation 1491260 (VCV001491260.9), dbSNP rs1562015500, ClinGen allele CA362735868.

ClinVar aggregate classification (germline): Uncertain significance. Review status: criteria provided, multiple submitters, no conflicts (2 of 4 stars). 2 submissions from 2 submitters: Uncertain significance (2). Last evaluated 2025-08-18.

Conditions:
Inborn genetic diseases. Identifiers: MedGen C0950123, MeSH D030342.
Combined oxidative phosphorylation defect type 14. Also called: Combined oxidative phosphorylation deficiency 14. Identifiers: Orphanet 319519, MedGen C4755312, MONDO:0013986, OMIM 614946.

Submissions (2):

Labcorp Genetics (formerly Invitae), Labcorp
Classification: Uncertain significance for Combined oxidative phosphorylation defect type 14. Last evaluated: 2025-08-18. Review status: criteria provided, single submitter. Criteria: Invitae Variant Classification Sherloc (09022015). Collection method: clinical testing. Allele origin: germline.
Comment: This sequence change replaces glutamic acid, which is acidic and polar, with lysine, which is basic and polar, at codon 234 of the FARS2 protein (p.Glu234Lys). This variant is not present in population databases (gnomAD no frequency). This variant has not been reported in the literature in individuals affected with FARS2-related conditions. ClinVar contains an entry for this variant (Variation ID: 1491260). Invitae Evidence Modeling of protein sequence and biophysical properties (such as structural, functional, and spatial information, amino acid conservation, physicochemical variation, residue mobility, and thermodynamic stability) has been performed for this missense variant. However, the output from this modeling did not meet the statistical confidence thresholds required to predict the impact of this variant on FARS2 protein function. In summary, the available evidence is currently insufficient to determine the role of this variant in disease. Therefore, it has been classified as a Variant of Uncertain Significance.

Ambry Genetics
Classification: Uncertain significance for Inborn genetic diseases. Last evaluated: 2021-06-18. Review status: criteria provided, single submitter. Criteria: Ambry Variant Classification Scheme 2023. Collection method: clinical testing. Allele origin: germline.